The following is an entry in ClinVar:

NM_001379081.2(FREM1):c.3819T>A (p.Asp1273Glu)

Gene: FREM1 (FRAS1 related extracellular matrix 1; minus strand). Cytogenetic location: 9p22.3.
Variant type: single nucleotide variant.
Coding change: c.3819T>A on transcript NM_001379081.2 (MANE Select); coding-DNA position 3819, T replaced by A.
Protein change: p.Asp1273Glu; replaces aspartic acid 1273 with glutamic acid.
Molecular consequence: missense variant. On other transcripts: non-coding transcript variant (2).
Genome position (GRCh38, 1-based): chr9:14,797,518, A>T on the plus strand (T>A on the coding strand, the complement: FREM1 is on the minus strand). VCF-style: chr9-14797518-A-T. GRCh37 (hg19) VCF-style: chr9-14797516-A-T.
Other names: c.3819T>A, p.Asp1273Glu (NM_144966.7); short protein forms D1273E.
Identifiers: ClinVar variation 366129 (VCV000366129.16), dbSNP rs7025814, ClinGen allele CA4990408.

ClinVar aggregate classification (germline): Benign. Review status: criteria provided, multiple submitters, no conflicts (2 of 4 stars). 7 submissions from 7 submitters: Benign (5). 2 of the submissions do not count toward it. Last evaluated 2026-01-31.

Conditions:
Oculotrichoanal syndrome (MOTA). Also called: MARLES SYNDROME; Manitoba Oculotrichoanal (MOTA) Syndrome. Identifiers: Orphanet 2717, MedGen C1855425, MONDO:0009560, OMIM 248450.

Allele frequency attached by ClinVar (database versions not stated): gnomAD exomes 0.00957 and 0.02026; ExAC 0.02240; ESP Exome Variant Server 0.05671; gnomAD 0.05731 and 0.06135; 1000 Genomes Project 0.05970; TOPMed 0.06452; 1000 Genomes Project 30x 0.06761.
gnomAD v4.1: 23,309 of 1,608,556 alleles (1.4%); highest among the groups gnomAD compares: African/African-American, 18%; 1,376 homozygotes.

Submissions (7):

Labcorp Genetics (formerly Invitae), Labcorp
Classification: Benign. Last evaluated: 2026-01-31. Review status: criteria provided, single submitter. Criteria: Invitae Variant Classification Sherloc (09022015). Collection method: clinical testing. Allele origin: germline.

Mayo Clinic Laboratories, Mayo Clinic
Classification: Benign. Last evaluated: 2023-04-04. Review status: criteria provided, single submitter. Criteria: ACMG Guidelines, 2015. Collection method: clinical testing. Allele origin: germline. Observed: 4 variant alleles.
Comment: BA1, BS2, PP2

GeneDx
Classification: Benign. Last evaluated: 2021-05-04. Review status: criteria provided, single submitter. Criteria: GeneDx Variant Classification Process June 2021. Collection method: clinical testing. Allele origin: germline. Affected: yes.
Comment: This variant is associated with the following publications: (PMID: 30651579)

Illumina Laboratory Services, Illumina
Classification: Benign for Oculotrichoanal syndrome. Last evaluated: 2018-01-12. Review status: criteria provided, single submitter. Criteria: ICSL Variant Classification Criteria 13 December 2019. Collection method: clinical testing. Allele origin: germline.
Comment: This variant was observed in the ICSL laboratory as part of a predisposition screen in an ostensibly healthy population. It had not been previously curated by ICSL or reported in the Human Gene Mutation Database (HGMD: prior to June 1st, 2018), and was therefore a candidate for classification through an automated scoring system. Utilizing variant allele frequency, disease prevalence and penetrance estimates, and inheritance mode, an automated score was calculated to assess if this variant is too frequent to cause the disease. Based on the score and internal cut-off values, a variant classified as benign is not then subjected to further curation. The score for this variant resulted in a classification of benign for this disease.

Breakthrough Genomics
Classification: Benign. Review status: criteria provided, single submitter. Criteria: ACMG Guidelines, 2015. Collection method: not provided. Allele origin: germline. Inheritance: Autosomal recessive inheritance. Affected: yes.

Genome Diagnostics Laboratory, University Medical Center Utrecht
Classification: Benign. Review status: no assertion criteria provided. Collection method: clinical testing. Allele origin: germline. Affected: yes. Study: VKGL Data-share Consensus. Not counted in ClinVar's aggregate classification.

Laboratory of Diagnostic Genome Analysis, Leiden University Medical Center (LUMC)
Classification: Likely benign. Review status: no assertion criteria provided. Collection method: clinical testing. Allele origin: germline. Affected: yes. Study: VKGL Data-share Consensus. Not counted in ClinVar's aggregate classification.

Literature cited by the submitters: PubMed 30651579 (cited by Mayo Clinic Laboratories, Mayo Clinic).